The following is an entry in ClinVar:

NM_079420.3(MYL1):c.488T>G (p.Met163Arg)

Gene: MYL1 (myosin light chain 1; minus strand). Cytogenetic location: 2q34.
Variant type: single nucleotide variant.
Coding change: c.488T>G on transcript NM_079420.3 (MANE Select); coding-DNA position 488, T replaced by G.
Protein change: p.Met163Arg; replaces methionine 163 with arginine.
Molecular consequence: missense variant.
Genome position (GRCh38, 1-based): chr2:210,293,791, A>C on the plus strand (T>G on the coding strand, the complement: MYL1 is on the minus strand). VCF-style: chr2-210293791-A-C. GRCh37 (hg19) VCF-style: chr2-211158515-A-C.
Other names: c.356T>G, p.Met119Arg (NM_079422.3); short protein forms M163R, M119R.
Identifiers: ClinVar variation 627414 (VCV000627414.5), dbSNP rs1259220084, ClinGen allele CA350761831.

ClinVar aggregate classification (germline): Uncertain significance. Review status: criteria provided, single submitter (1 of 4 stars). 2 submissions from 2 submitters: Uncertain significance (1). 1 of the submissions does not count toward it. Last evaluated 2024-12-04.

Conditions:
Congenital myopathy with reduced type 2 muscle fibers. Also called: MYOPATHY, CONGENITAL, WITH FAST-TWITCH (TYPE II) FIBER ATROPHY; CONGENITAL MYOPATHY 14. Identifiers: Orphanet 544602, MedGen C5193081, MONDO:0034109, OMIM 618414.

Submissions (2):

SIB Swiss Institute of Bioinformatics
Classification: Uncertain significance for Congenital myopathy with reduced type 2 muscle fibers. Last evaluated: 2024-12-04. Review status: criteria provided, single submitter. Criteria: ACMG Guidelines, 2015. Collection method: curation. Allele origin: unknown. Inheritance: Autosomal recessive inheritance.
Comment: This variant is interpreted as a variant of uncertain significance for Myopathy, congenital, with fast-twitch type II fiber atrophy, autosomal recessive. This missense change is absent from large population cohorts (gnomAD v4.1.0; PM2_supporting); computational evidence support a damaging effect on gene or gene product (REVEL 0.868; PP3_moderate ); experimental evidence suggest that the variant affects protein function (PMID: 30215711; PS3_supporting).

OMIM
Classification: Pathogenic for CONGENITAL MYOPATHY 14. Last evaluated: 2024-07-16. Review status: flagged submission. Collection method: literature only. Allele origin: germline. Not counted in ClinVar's aggregate classification.
ClinVar note: Notes: Flagging candidate with reason of insufficient supporting evidence. This gene has been classified as having a limited gene-disease relationship by a ClinGen Expert Panel.
ClinVar note: Reason: Other

Literature cited by the submitters: PubMed 30215711 (cited by SIB Swiss Institute of Bioinformatics and OMIM).